The following is an entry in ClinVar:

ClinVar aggregate classification (germline): Pathogenic (1 of 4 stars; one submission).

Conditions:
Glycogen storage disease, type II (IOPD). Also called: Pompe Disease; CARDIOMEGALIA GLYCOGENICA DIFFUSA; GLYCOGENOSIS, GENERALIZED, CARDIAC FORM; GSD II; POMPE DISEASE, INFANTILE-ONSET; GLYCOGEN STORAGE DISEASE II, INFANTILE-ONSET. Identifiers: Orphanet 365, MedGen C0017921, MONDO:0009290, OMIM 232300.

Submission:

Genomenon, Inc
Classification: Pathogenic for Glycogen storage disease, type II. Last evaluated: 2026-07-01. Review status: criteria provided, single submitter. Criteria: Genomenon Sequence Variant Interpretation Standards - Updated. Collection method: curation. Allele origin: germline. Affected: yes.
Comment: GAA p.Gly473AlafsTer30 (c.1418_1425del) is a frameshift variant that is predicted to introduce a premature termination codon and result in a truncated or absent protein product. This variant has been observed in at least one proband with a GAA-related disorder (PMID:38250073). It is absent or not present at a significant frequency in gnomAD. In conclusion, we classify GAA p.Gly473AlafsTer30 (c.1418_1425del) as a pathogenic variant.

Literature cited by the submitters: PubMed 38250073.

NM_000152.5(GAA):c.1418_1425del (p.Gly473fs)

Gene: GAA (alpha glucosidase; plus strand). Cytogenetic location: 17q25.3.
Variant type: Deletion.
Coding change: c.1418_1425del on transcript NM_000152.5 (MANE Select); coding-DNA positions 1418 to 1425, 8 bases deleted (GCCAGCCG; older notation c.1418_1425delGCCAGCCG).
Protein change: p.Gly473fs; shifts the reading frame from glycine 473.
Molecular consequence: frameshift variant.
Genome position (GRCh38, 1-based): chr17:80,110,036-80,110,043, GCCAGCCG deleted; deleting any 8 consecutive bases within chr17:80,110,033-80,110,043 gives the same sequence; the c. name uses the placement nearest the transcript's 3' end. VCF-style (leftmost placement, unchanged base first): chr17-80110032-ACCGGCCAG-A. GRCh37 (hg19) VCF-style: chr17-78083831-ACCGGCCAG-A.
Other names: c.1418_1425del, p.Gly473fs (NM_001079803.3, NM_001079804.3, NM_001406741.1 and 1 more transcripts); short protein forms G473fs.
Identifiers: ClinVar variation 4876511 (VCV004876511.1).